The following is an entry in ClinVar:

ClinVar aggregate classification (germline): Uncertain significance (1 of 4 stars; one submission).

Conditions:
Short-rib thoracic dysplasia 14 with polydactyly (SRTD14). Identifiers: Orphanet 397715, MedGen C4225286, MONDO:0014688, OMIM 616546.
Joubert syndrome 23 (JBTS23). Identifiers: Orphanet 475, MedGen C4084822, MONDO:0014664, OMIM 616490.

Submission:

Labcorp Genetics (formerly Invitae), Labcorp
Classification: Uncertain significance for Joubert syndrome 23; Short-rib thoracic dysplasia 14 with polydactyly. Last evaluated: 2023-07-07. Review status: criteria provided, single submitter. Criteria: Invitae Variant Classification Sherloc (09022015). Collection method: clinical testing. Allele origin: germline.
Comment: ClinVar contains an entry for this variant (Variation ID: 1395841). This sequence change replaces lysine, which is basic and polar, with asparagine, which is neutral and polar, at codon 1264 of the KIAA0586 protein (p.Lys1264Asn). This variant is not present in population databases (gnomAD no frequency). This variant has not been reported in the literature in individuals affected with KIAA0586-related conditions. Algorithms developed to predict the effect of missense changes on protein structure and function output the following: SIFT: "Not Available"; PolyPhen-2: "Benign"; Align-GVGD: "Not Available". The asparagine amino acid residue is found in multiple mammalian species, which suggests that this missense change does not adversely affect protein function. In summary, the available evidence is currently insufficient to determine the role of this variant in disease. Therefore, it has been classified as a Variant of Uncertain Significance.

NM_001329943.3(KIAA0586):c.3633G>C (p.Lys1211Asn)

Gene: KIAA0586 (KIAA0586; plus strand). Cytogenetic location: 14q23.1.
Variant type: single nucleotide variant.
Coding change: c.3633G>C on transcript NM_001329943.3 (MANE Select); coding-DNA position 3633, G replaced by C.
Protein change: p.Lys1211Asn; replaces lysine 1211 with asparagine.
Molecular consequence: missense variant.
Genome position (GRCh38, 1-based): chr14:58,488,726, G>C. VCF-style: chr14-58488726-G-C. GRCh37 (hg19) VCF-style: chr14-58955444-G-C.
Other names: c.3792G>C, p.Lys1264Asn (NM_001244189.2); c.3588G>C, p.Lys1196Asn (NM_001244190.2); c.3378G>C, p.Lys1126Asn (NM_001244191.2, NM_001329945.2, NM_001364700.1 and 1 more transcripts); c.3501G>C, p.Lys1167Asn (NM_001244192.2); c.3213G>C, p.Lys1071Asn (NM_001244193.2); c.3633G>C, p.Lys1211Asn (NM_001329944.2, NM_001329946.2, NM_001329947.2); c.3405G>C, p.Lys1135Asn (NM_014749.5); short protein forms K1126N, K1167N, K1264N, K1071N, K1135N, K1211N, K1196N.
Identifiers: ClinVar variation 1395841 (VCV001395841.6), dbSNP rs780785984, ClinGen allele CA389882654.